The following is an entry in ClinVar:

NM_000535.7(PMS2):c.904-16del

Gene: PMS2 (PMS1 homolog 2, mismatch repair system component; minus strand). Cytogenetic location: 7p22.1.
Variant type: Deletion.
Coding change: c.904-16del on transcript NM_000535.7 (MANE Select); 16 bases into the intron before coding-DNA position 904, one base deleted (C; older notation c.904-16delC).
Molecular consequence: intron variant.
Genome position (GRCh38, 1-based): chr7:5,992,073, G deleted on the plus strand (C on the coding strand, the reverse complement: PMS2 is on the minus strand); the first of 2 consecutive G bases (chr7:5,992,073-5,992,074); deleting either gives the same sequence. VCF-style (leftmost placement, unchanged base first): chr7-5992072-AG-A. GRCh37 (hg19) VCF-style: chr7-6031703-AG-A.
Other names: c.586-16del (NM_001322008.2, NM_001406902.1, NM_001406883.1 and 4 more transcripts); c.595-16del (NM_001406881.1, NM_001406879.1, NM_001322015.2 and 6 more transcripts); c.499-16del (NM_001406895.1, NM_001322010.2, NM_001322004.2 and 19 more transcripts); c.133-16del (NM_001406911.1); c.391-16del (NM_001406904.1, NM_001406905.1); c.331-16del (NM_001322013.2, NM_001406909.1); c.-30-16del (NM_001322012.2, NM_001322011.2); c.568-16del (NM_001406885.1); and 8 more.
Identifiers: ClinVar variation 3903680 (VCV003903680.1).
Genomic context (GRCh38, chr7:5,992,072, plus strand): 5'-GGTGTCGATTATACATGTGGTAGACCTCATTCACGAGTCTGCAGACCTGCACAAAATACA[AG>A]GAGTAGAAAAGAATAAATGACAAATGTTCCCAGCCCCCCGCATTCTAACAACATTCTATT-3'

ClinVar aggregate classification (germline): Likely benign (1 of 4 stars; one submission).

Conditions:
Lynch syndrome 4 (LYNCH4). Also called: Colorectal cancer, hereditary nonpolyposis, type 4; Hereditary non-polyposis colorectal cancer, type 4. Identifiers: Orphanet 144, MedGen C1838333, MONDO:0013699, OMIM 614337. Disease mechanism: loss of function.

Submission:

Myriad Genetics, Inc.
Classification: Likely benign for Lynch syndrome 4. Last evaluated: 2025-01-29. Review status: criteria provided, single submitter. Criteria: Myriad Autosomal Dominant, Autosomal Recessive and X-Linked Classification Criteria (2023). Collection method: clinical testing. Allele origin: unknown.
Comment: This variant is considered likely benign. This variant is intronic and is not expected to impact mRNA splicing.